The following is an entry in ClinVar:

NM_000152.5(GAA):c.2270A>G (p.Gln757Arg)

Gene: GAA (alpha glucosidase; plus strand). Cytogenetic location: 17q25.3.
Variant type: single nucleotide variant.
Coding change: c.2270A>G on transcript NM_000152.5 (MANE Select); coding-DNA position 2270, A replaced by G.
Protein change: p.Gln757Arg; replaces glutamine 757 with arginine.
Molecular consequence: missense variant.
Genome position (GRCh38, 1-based): chr17:80,117,048, A>G. VCF-style: chr17-80117048-A-G. GRCh37 (hg19) VCF-style: chr17-78090847-A-G.
Other names: c.2270A>G, p.Gln757Arg (NM_001079803.3, NM_001079804.3); short protein forms Q757R.
Identifiers: ClinVar variation 1489206 (VCV001489206.5), dbSNP rs768165130, ClinGen allele CA401324830.
Genomic context (GRCh38, chr17:80,117,048, plus strand): 5'-CCTGGACTGTGGACCACCAGCTCCTGTGGGGGGAGGCCCTGCTCATCACCCCAGTGCTCC[A>G]GGCCGGGAAGGCCGAAGTGACTGGCTACTTCCCCTTGGGCACATGGTACGACCTGCAGAC-3'
Protein context (NP_000143.2, residues 747-767): GEALLITPVL[Gln757Arg]AGKAEVTGYF

ClinVar aggregate classification (germline): Uncertain significance (1 of 4 stars; one submission).

Conditions:
Glycogen storage disease, type II (IOPD). Also called: POMPE DISEASE, INFANTILE-ONSET; GLYCOGEN STORAGE DISEASE II, INFANTILE-ONSET; ACID ALPHA-GLUCOSIDASE DEFICIENCY, INFANTILE-ONSET; GAA DEFICIENCY, INFANTILE-ONSET; ACID MALTASE DEFICIENCY, INFANTILE-ONSET; GLYCOGENOSIS, GENERALIZED, CARDIAC FORM. Identifiers: Orphanet 365, MedGen C0017921, MONDO:0009290, OMIM 232300.

gnomAD v4.1: 2 of 1,613,524 alleles (0.00012%); highest among the groups gnomAD compares: Non-Finnish European, 0.00017%; no homozygotes.

Submission:

Labcorp Genetics (formerly Invitae), Labcorp
Classification: Uncertain significance for Glycogen storage disease, type II. Last evaluated: 2022-08-09. Review status: criteria provided, single submitter. Criteria: Invitae Variant Classification Sherloc (09022015). Collection method: clinical testing. Allele origin: germline.
Comment: This sequence change replaces glutamine, which is neutral and polar, with arginine, which is basic and polar, at codon 757 of the GAA protein (p.Gln757Arg). This variant is present in population databases (no rsID available, gnomAD no frequency). This variant has not been reported in the literature in individuals affected with GAA-related conditions. ClinVar contains an entry for this variant (Variation ID: 1489206). Advanced modeling of protein sequence and biophysical properties (such as structural, functional, and spatial information, amino acid conservation, physicochemical variation, residue mobility, and thermodynamic stability) performed at Invitae indicates that this missense variant is not expected to disrupt GAA protein function. In summary, the available evidence is currently insufficient to determine the role of this variant in disease. Therefore, it has been classified as a Variant of Uncertain Significance.